The following is an entry in ClinVar:

ClinVar aggregate classification (germline): Uncertain significance (1 of 4 stars; one submission).

Allele frequency attached by ClinVar (database versions not stated): TOPMed below 0.00001.
gnomAD v4.1: 4 of 1,614,018 alleles (0.00025%); highest among the groups gnomAD compares: Non-Finnish European, 0.00025%; no homozygotes.

Submission:

Labcorp Genetics (formerly Invitae), Labcorp
Classification: Uncertain significance. Last evaluated: 2023-12-09. Review status: criteria provided, single submitter. Criteria: Invitae Variant Classification Sherloc (09022015). Collection method: clinical testing. Allele origin: germline.
Comment: The OPA1 gene has multiple clinically relevant transcripts. This variant occurs in alternate transcript NM_130837.2, and corresponds to NM_015560.2: c.625-5444A>C in the primary transcript. This sequence change replaces glutamine, which is neutral and polar, with proline, which is neutral and non-polar, at codon 252 of the OPA1 protein (p.Gln252Pro). This variant is present in population databases (no rsID available, gnomAD 0.002%). This variant has not been reported in the literature in individuals affected with OPA1-related conditions. Experimental studies and prediction algorithms are not available or were not evaluated, and the functional significance of this variant is currently unknown. Algorithms developed to predict the effect of sequence changes on RNA splicing suggest that this variant is not likely to affect RNA splicing. In summary, the available evidence is currently insufficient to determine the role of this variant in disease. Therefore, it has been classified as a Variant of Uncertain Significance.

NM_130837.3(OPA1):c.755A>C (p.Gln252Pro)

Genes: OPA1-AS1 (OPA1 antisense RNA 1; minus strand), OPA1 (OPA1 mitochondrial dynamin like GTPase; plus strand). Cytogenetic location: 3q29.
Variant type: single nucleotide variant.
Coding change: c.755A>C on transcript NM_130837.3 (MANE Select); coding-DNA position 755, A replaced by C.
Protein change: p.Gln252Pro; replaces glutamine 252 with proline.
Molecular consequence: missense variant. On other transcripts: intron variant (5).
Genome position (GRCh38, 1-based): chr3:193,626,168, A>C. VCF-style: chr3-193626168-A-C. GRCh37 (hg19) VCF-style: chr3-193343957-A-C.
Other names: c.221A>C, p.Gln74Pro (NM_001354663.2); c.593A>C, p.Gln198Pro (NM_130833.3); c.647A>C, p.Gln216Pro (NM_130835.3); c.701A>C, p.Gln234Pro (NM_130836.3); c.253-5444A>C (NM_001354664.2); c.679-5444A>C (NM_130834.3); c.625-5444A>C (NM_015560.3); c.571-5444A>C (NM_130832.3); and 1 more; short protein forms Q234P, Q74P, Q198P, Q216P, Q252P.
Identifiers: ClinVar variation 2857715 (VCV002857715.3), dbSNP rs1427041733, ClinGen allele CA355788690.